The following is an entry in ClinVar:

ClinVar aggregate classification (germline): Pathogenic/Likely pathogenic. Review status: criteria provided, multiple submitters, no conflicts (2 of 4 stars). 10 submissions from 10 submitters: Pathogenic (5); Likely pathogenic (5). Last evaluated 2025-11-24.

Conditions:
Hermansky-Pudlak syndrome (HPS). Also called: ALBINISM WITH HEMORRHAGIC DIATHESIS AND PIGMENTED RETICULOENDOTHELIAL CELLS. Identifiers: Orphanet 79430, MedGen C0079504, MONDO:0019312.
HPS1-related disorders.
Hermansky-Pudlak syndrome 1 (HPS1). Also called: DELTA STORAGE POOL DISEASE. Identifiers: Orphanet 231500, Orphanet 79430, MedGen C2931875, MONDO:0008748, OMIM 203300.

Allele frequency attached by ClinVar (database versions not stated): gnomAD exomes below 0.00001 and 0.00001; TOPMed below 0.00001; ExAC 0.00001.
gnomAD v4.1: 3 of 1,613,548 alleles (0.00019%); highest among the groups gnomAD compares: South Asian, 0.0033%; no homozygotes.

Submissions (10):

Labcorp Genetics (formerly Invitae), Labcorp
Classification: Pathogenic. Last evaluated: 2025-11-24. Review status: criteria provided, single submitter. Criteria: Invitae Variant Classification Sherloc (09022015). Collection method: clinical testing. Allele origin: germline.
Comment: This sequence change affects an acceptor splice site in intron 11 of the HPS1 gene. RNA analysis indicates that disruption of this splice site induces altered splicing and likely results in a shortened protein product. This variant is present in population databases (rs764927038, gnomAD 0.01%). Disruption of this splice site has been observed in individual(s) with Hermansky-Pudlak syndrome (PMID: 19398212). ClinVar contains an entry for this variant (Variation ID: 1074133). Studies have shown that disruption of this splice site results in skipping of exon 12, but is expected to preserve the integrity of the reading-frame (PMID: 19398212). For these reasons, this variant has been classified as Pathogenic.

Natera, Inc.
Classification: Likely pathogenic for Hermansky-Pudlak syndrome. Last evaluated: 2025-01-23. Review status: criteria provided, single submitter. Criteria: Natera Variant Classification Schema (03/2026). Collection method: clinical testing. Allele origin: germline.
Comment: The c.988-1G>T variant in HPS1 is a canonical splice acceptor site variant predicted to affect pre-mRNA splicing, which may result in an abnormal transcript and altered protein product. This variant may result in a truncated or dysfunctional protein product. This variant is rare in the general population with a frequency below the threshold expected for the associated phenotype(s). This variant has been observed in one or more individuals affected with the associated recessive disease, as either homozygous or compound heterozygous with a second variant (PMID: 19398212). Functional studies show that this variant may disrupt protein function (PMID: 19398212). Given the available evidence, this variant is classified as Likely Pathogenic.

Blueprint Genetics
Classification: Likely pathogenic for HPS1-related disorders. Last evaluated: 2024-05-10. Review status: criteria provided, single submitter. Criteria: ACMG Guidelines, 2015. Collection method: clinical testing. Allele origin: germline. Affected: yes. Observed: 1 variant allele.

Fulgent Genetics
Classification: Likely pathogenic for Hermansky-Pudlak syndrome 1. Last evaluated: 2024-02-10. Review status: criteria provided, single submitter. Criteria: ACMG Guidelines, 2015. Collection method: clinical testing. Allele origin: germline.

Baylor Genetics
Classification: Pathogenic for Hermansky-Pudlak syndrome 1. Last evaluated: 2024-01-16. Review status: criteria provided, single submitter. Criteria: ACMG Guidelines, 2015. Collection method: clinical testing. Allele origin: unknown.

Victorian Clinical Genetics Services, Murdoch Childrens Research Institute
Classification: Pathogenic for Hermansky-Pudlak syndrome 1. Last evaluated: 2023-07-16. Review status: criteria provided, single submitter. Criteria: ACMG Guidelines, 2015. Collection method: clinical testing. Allele origin: germline. Inheritance: Autosomal recessive inheritance. Affected: yes.
Comment: Based on the classification scheme VCGS_Germline_v1.3.4, this variant is classified as Pathogenic. Following criteria are met: 0102 - Loss of function is a known mechanism of disease in this gene and is associated with Hermansky-Pudlak syndrome 1 (MIM#203300). (I) 0106 - This gene is associated with autosomal recessive disease. (I) 0210 - Splice site variant proven to affect splicing of the transcript with a known effect on protein sequence. RT-PCR on patient melanocytes has confirmed the inframe skipping of exon 12 (PMID: 19398212). (SP) 0252 - This variant is homozygous. However, there appears to be an overlapping deletion. (I) 0304 - Variant is present in gnomAD (v2) <0.01 for a recessive condition (3 heterozygotes, 0 homozygotes). (SP) 0600 - Variant affects part of the Fuz_longin_2 domain (DECIPHER). (I) 0705 - No comparable splice variants have previous evidence for pathogenicity. (I) 0802 - This variant has moderate previous evidence of pathogenicity in unrelated individuals. This variant has been reported as likely pathogenic and pathogenic (ClinVar), and observed in a homozygous individual with Hermansky-Pudlak syndrome (PMID: 19398212). (SP) 0905 - No published segregation evidence has been identified for this variant. (I) Legend: (SP) - Supporting pathogenic, (I) - Information, (SB) - Supporting benign

Revvity Omics, Revvity
Classification: Pathogenic for Hermansky-Pudlak syndrome 1. Last evaluated: 2023-05-03. Review status: criteria provided, single submitter. Criteria: ACMG Guidelines, 2015. Collection method: clinical testing. Allele origin: germline.

Women's Health and Genetics/Laboratory Corporation of America, LabCorp
Classification: Pathogenic for Hermansky-Pudlak syndrome. Last evaluated: 2023-04-04. Review status: criteria provided, single submitter. Criteria: LabCorp Variant Classification Summary - May 2015. Collection method: clinical testing. Allele origin: germline.
Comment: Variant summary: HPS1 c.988-1G>T is located in a canonical splice-site and is predicted to affect mRNA splicing resulting in a significantly altered protein due to either exon skipping, shortening, or inclusion of intronic material. Several computational tools predict a significant impact on normal splicing: Four predict the variant abolishes the canonical 3' acceptor site. Experimental evidence have shown disruption of this splice site results in exon 12 skipping, leading to an inframe deletion of 56 amino acids from the encoded HPS1 protein (example: Vincent_2009). The variant allele was found at a frequency of 1.2e-05 in 251112 control chromosomes (gnomAD). c.988-1G>T has been reported in the literature in an individual affected with Hermansky-Pudlak Syndrome (example: Vincent_2009). Three clinical diagnostic laboratories have submitted clinical-significance assessments for this variant to ClinVar after 2014 and allclassified the variant as pathogenic/likely pathogenic. Based on the evidence outlined above, the variant was classified as pathogenic.

GeneDx
Classification: Likely pathogenic. Last evaluated: 2023-04-03. Review status: criteria provided, single submitter. Criteria: GeneDx Variant Classification Process June 2021. Collection method: clinical testing. Allele origin: germline. Affected: yes.
Comment: Canonical splice site variant expected to result in aberrant splicing, although in the absence of functional evidence the actual effect of this sequence change is unknown.; This variant is associated with the following publications: (PMID: 25525159, 31898847, 19398212)

Broad Center for Mendelian Genomics, Broad Institute of MIT and Harvard
Classification: Likely pathogenic for Hermansky-Pudlak syndrome. Last evaluated: 2021-11-29. Review status: criteria provided, single submitter. Criteria: ACMG Guidelines, 2015. Collection method: curation. Allele origin: germline. Inheritance: Autosomal recessive inheritance.
Comment: The c.988-1G>T variant in HPS1 has been reported in 1 individual, in the homozygous state, with Hermansky-Pudlak syndrome (PMID: 19398212), and has been identified in 0.0098% (3/30614) of South Asian chromosomes by the Genome Aggregation Database (gnomAD; dbSNP ID: rs764927038). Although this variant has been seen in the general population in a heterozygous state, its frequency is low enough to be consistent with a recessive carrier frequency. This variant has also been reported in ClinVar (Variation ID#: 1074133) and has been interpreted as pathogenic by Invitae. In vitro functional studies provide some evidence that the c.988-1G>T variant may slightly impact protein function (PMID: 19398212). However, these types of assays may not accurately represent biological function. This variant is located in the 5' splice region. Computational tools predict a splicing impact, though this information is not predictive enough to determine pathogenicity. Loss of function of the HPS1 gene is an established disease mechanism in autosomal recessive Hermansky-Pudlak syndrome. In summary, although additional studies are required to fully establish its clinical significance, this variant is likely pathogenic for autosomal recessive Hermansky-Pudlak syndrome. ACMG/AMP Criteria applied: PVS1_moderate, PM2_supporting, PM3_supporting, PS3_moderate (Richards 2015).

Literature cited by the submitters: PubMed 19398212 (cited by 4 submitters).

NM_000195.5(HPS1):c.988-1G>T

Gene: HPS1 (HPS1 biogenesis of lysosomal organelles complex 3 subunit 1; minus strand). Cytogenetic location: 10q24.2.
Variant type: single nucleotide variant.
Coding change: c.988-1G>T on transcript NM_000195.5 (MANE Select); the canonical splice acceptor site of the intron before coding-DNA position 988, G replaced by T.
Molecular consequence: splice acceptor variant.
Genome position (GRCh38, 1-based): chr10:98,425,986, C>A on the plus strand (G>T on the coding strand, the complement: HPS1 is on the minus strand). VCF-style: chr10-98425986-C-A. GRCh37 (hg19) VCF-style: chr10-100185743-C-A.
Other names: c.619-1G>T (NM_001322483.2, NM_001322484.2); c.727-1G>T (NM_001322480.2, NM_001322481.2); c.889-1G>T (NM_001322478.2, NM_001322479.2); c.988-1G>T (NM_001322476.2, NM_001322477.2); c.520-1G>T (NM_001322485.2); c.628-1G>T (NM_001322482.2); c.16-1G>T (NM_001322489.2, NM_001311345.2, NM_001322487.2).
Identifiers: ClinVar variation 1074133 (VCV001074133.19), dbSNP rs764927038, ClinGen allele CA5639164.
Genomic context (GRCh38, chr10:98,425,986, plus strand): 5'-TCTGGGGCCGGAAGGCACAGGGCAGTGGGGAACCAGTGTTTGGAGGGTGTCCTCTGCTAT[C>A]TACAGAGGAAGAAGAGCTGCAGTGAGAGGTGGGATCCCTAAGTTGGACCCACCCATTGCG-3'